The following is an entry in ClinVar:

ClinVar aggregate classification (germline): Uncertain significance (1 of 4 stars; one submission).

Conditions:
Menkes kinky-hair syndrome (MNK). Also called: Classic Menkes Disease; Copper transport disease; Menkes Disease. Identifiers: Orphanet 565, MedGen C0022716, MONDO:0010651, OMIM 309400.
Cutis laxa, X-linked (OHS). Also called: EDS IX; Occipital horn syndrome. Identifiers: Orphanet 198, MedGen C0268353, MONDO:0010572, OMIM 304150.
X-linked distal spinal muscular atrophy type 3. Also called: ATP7A-Related Distal Motor Neuropathy; SPINAL MUSCULAR ATROPHY, DISTAL, X-LINKED RECESSIVE; NEURONOPATHY, DISTAL HEREDITARY MOTOR, X-LINKED; NEUROPATHY, DISTAL HEREDITARY MOTOR, X-LINKED. Identifiers: Orphanet 139557, MedGen C1845359, MONDO:0010338, OMIM 300489.

Submission:

Labcorp Genetics (formerly Invitae), Labcorp
Classification: Uncertain significance for X-linked distal spinal muscular atrophy type 3; Cutis laxa, X-linked; Menkes kinky-hair syndrome. Last evaluated: 2025-10-08. Review status: criteria provided, single submitter. Criteria: Invitae Variant Classification Sherloc (09022015). Collection method: clinical testing. Allele origin: germline.
Comment: This sequence change replaces alanine, which is neutral and non-polar, with threonine, which is neutral and polar, at codon 413 of the ATP7A protein (p.Ala413Thr). This variant is not present in population databases (gnomAD no frequency). This variant has not been reported in the literature in individuals affected with ATP7A-related conditions. Invitae Evidence Modeling of protein sequence and biophysical properties (such as structural, functional, and spatial information, amino acid conservation, physicochemical variation, residue mobility, and thermodynamic stability) indicates that this missense variant is not expected to disrupt ATP7A protein function with a negative predictive value of 95%. In summary, the available evidence is currently insufficient to determine the role of this variant in disease. Therefore, it has been classified as a Variant of Uncertain Significance.

NM_000052.7(ATP7A):c.1237G>A (p.Ala413Thr)

Gene: ATP7A (ATPase copper transporting alpha; plus strand). Cytogenetic location: Xq21.1.
Variant type: single nucleotide variant.
Coding change: c.1237G>A on transcript NM_000052.7 (MANE Select); coding-DNA position 1237, G replaced by A.
Protein change: p.Ala413Thr; replaces alanine 413 with threonine.
Molecular consequence: missense variant.
Genome position (GRCh38, 1-based): chrX:77,989,859, G>A. VCF-style: chrX-77989859-G-A. GRCh37 (hg19) VCF-style: chrX-77245355-G-A.
Other names: c.1237G>A, p.Ala413Thr (NM_001282224.2); short protein forms A413T.
Identifiers: ClinVar variation 4792868 (VCV004792868.1).